The following is an entry in ClinVar:

ClinVar aggregate classification (germline): Likely pathogenic (1 of 4 stars; one submission).

Submission:

Mayo Clinic Laboratories, Mayo Clinic
Classification: Likely pathogenic. Last evaluated: 2023-05-24. Review status: criteria provided, single submitter. Criteria: ACMG Guidelines, 2015. Collection method: clinical testing. Allele origin: germline. Observed: 1 variant allele.
Comment: PP3, PM2_supporting, PVS1_strong

Literature cited by the submitters: PubMed 25963598; PubMed 30715774.

NM_000088.4(COL1A1):c.696+1G>C

Gene: COL1A1 (collagen type I alpha 1 chain; minus strand). Cytogenetic location: 17q21.33.
Variant type: single nucleotide variant.
Coding change: c.696+1G>C on transcript NM_000088.4 (MANE Select); the canonical splice donor site of the intron after coding-DNA position 696, G replaced by C.
Molecular consequence: splice donor variant.
Genome position (GRCh38, 1-based): chr17:50,197,731, C>G on the plus strand (G>C on the coding strand, the complement: COL1A1 is on the minus strand). VCF-style: chr17-50197731-C-G. GRCh37 (hg19) VCF-style: chr17-48275092-C-G.
Identifiers: ClinVar variation 2683680 (VCV002683680.1), dbSNP rs2144585785, ClinGen allele CA400224491.